The following is an entry in ClinVar:

ClinVar aggregate classification (germline): Uncertain significance. Review status: criteria provided, multiple submitters, no conflicts (2 of 4 stars). 4 submissions from 4 submitters: Uncertain significance (4). Last evaluated 2025-09-05.

Conditions:
Inborn genetic diseases. Identifiers: MedGen C0950123, MeSH D030342.
Atrial fibrillation, familial, 7 (ATFB7). Identifiers: MedGen C2677106, MONDO:0012828, OMIM 612240.

Allele frequency attached by ClinVar (database versions not stated): gnomAD 0.00003 and 0.00004; TOPMed 0.00004.

Submissions (4):

Women's Health and Genetics/Laboratory Corporation of America, LabCorp
Classification: Uncertain significance. Last evaluated: 2025-09-05. Review status: criteria provided, single submitter. Criteria: LabCorp Variant Classification Summary - May 2015. Collection method: clinical testing. Allele origin: germline.

Labcorp Genetics (formerly Invitae), Labcorp
Classification: Uncertain significance for Atrial fibrillation, familial, 7. Last evaluated: 2025-05-19. Review status: criteria provided, single submitter. Criteria: Invitae Variant Classification Sherloc (09022015). Collection method: clinical testing. Allele origin: germline.
Comment: This sequence change replaces serine, which is neutral and polar, with phenylalanine, which is neutral and non-polar, at codon 116 of the KCNA5 protein (p.Ser116Phe). This variant is not present in population databases (gnomAD no frequency). This variant has not been reported in the literature in individuals affected with KCNA5-related conditions. ClinVar contains an entry for this variant (Variation ID: 955024). An algorithm developed to predict the effect of missense changes on protein structure and function (PolyPhen-2) suggests that this variant is likely to be tolerated. In summary, the available evidence is currently insufficient to determine the role of this variant in disease. Therefore, it has been classified as a Variant of Uncertain Significance.

Ambry Genetics
Classification: Uncertain significance for Inborn genetic diseases. Last evaluated: 2023-12-18. Review status: criteria provided, single submitter. Criteria: Ambry Variant Classification Scheme 2023. Collection method: clinical testing. Allele origin: germline.

Fulgent Genetics
Classification: Uncertain significance for Atrial fibrillation, familial, 7. Last evaluated: 2021-11-09. Review status: criteria provided, single submitter. Criteria: ACMG Guidelines, 2015. Collection method: clinical testing. Allele origin: unknown.

NM_002234.4(KCNA5):c.347C>T (p.Ser116Phe)

Gene: KCNA5 (potassium voltage-gated channel subfamily A member 5; plus strand). Cytogenetic location: 12p13.32.
Variant type: single nucleotide variant.
Coding change: c.347C>T on transcript NM_002234.4 (MANE Select); coding-DNA position 347, C replaced by T.
Protein change: p.Ser116Phe; replaces serine 116 with phenylalanine.
Molecular consequence: missense variant.
Genome position (GRCh38, 1-based): chr12:5,044,494, C>T. VCF-style: chr12-5044494-C-T. GRCh37 (hg19) VCF-style: chr12-5153660-C-T.
Other names: c.347C>T (NM_002234.2); short protein forms S116F.
Identifiers: ClinVar variation 955024 (VCV000955024.12), dbSNP rs962908688, ClinGen allele CA231867147.